The following is an entry in ClinVar:

ClinVar aggregate classification (germline): Benign/Likely benign. Review status: criteria provided, multiple submitters, no conflicts (2 of 4 stars). 3 submissions from 3 submitters: Benign (1); Likely benign (2). Last evaluated 2026-06-23.

Conditions:
Hereditary cancer-predisposing syndrome. Also called: Tumor predisposition; Hereditary Cancer Syndrome; Hereditary neoplastic syndrome; Neoplastic Syndromes, Hereditary. Identifiers: Orphanet 140162, MedGen C0027672, MeSH D009386, MONDO:0015356.
Retinoblastoma (RB1). Also called: RETINOBLASTOMA, SOMATIC. Identifiers: Orphanet 790, MedGen C0035335, MeSH D012175, MONDO:0008380, OMIM 180200, HP:0009919. Disease mechanism: loss of function. Inheritance: Both sporadic and heritable forms are tested..

Allele frequency attached by ClinVar (database versions not stated): TOPMed below 0.00001.

Submissions (3):

Myriad Genetics, Inc.
Classification: Benign for Retinoblastoma. Last evaluated: 2026-06-23. Review status: criteria provided, single submitter. Criteria: Myriad Autosomal Dominant, Autosomal Recessive and X-Linked Classification Criteria (2023). Collection method: clinical testing. Allele origin: unknown.
Comment: This variant is considered benign. This variant is a silent/synonymous amino acid change and it is not expected to impact splicing.

Labcorp Genetics (formerly Invitae), Labcorp
Classification: Likely benign for Retinoblastoma. Last evaluated: 2026-01-05. Review status: criteria provided, single submitter. Criteria: Invitae Variant Classification Sherloc (09022015). Collection method: clinical testing. Allele origin: germline.

Ambry Genetics
Classification: Likely benign for Hereditary cancer-predisposing syndrome. Last evaluated: 2019-06-24. Review status: criteria provided, single submitter. Criteria: Ambry Variant Classification Scheme 2023. Collection method: clinical testing. Allele origin: germline.

NM_000321.3(RB1):c.270T>C (p.Gly90=)

Gene: RB1 (RB transcriptional corepressor 1; plus strand). Cytogenetic location: 13q14.2.
Variant type: single nucleotide variant.
Coding change: c.270T>C on transcript NM_000321.3 (MANE Select); coding-DNA position 270, T replaced by C.
Protein change: p.Gly90=; no amino-acid change (glycine 90 retained).
Molecular consequence: synonymous variant.
Genome position (GRCh38, 1-based): chr13:48,342,604, T>C. VCF-style: chr13-48342604-T-C. GRCh37 (hg19) VCF-style: chr13-48916740-T-C.
Identifiers: ClinVar variation 821644 (VCV000821644.14), dbSNP rs1593434172, ClinGen allele CA483726143.